The following is an entry in ClinVar:

NM_000159.4(GCDH):c.1211C>G (p.Ala404Gly)

Gene: GCDH (glutaryl-CoA dehydrogenase; plus strand). Cytogenetic location: 19p13.13.
Variant type: single nucleotide variant.
Coding change: c.1211C>G on transcript NM_000159.4 (MANE Select); coding-DNA position 1211, C replaced by G.
Protein change: p.Ala404Gly; replaces alanine 404 with glycine.
Molecular consequence: missense variant. On other transcripts: non-coding transcript variant (2).
Genome position (GRCh38, 1-based): chr19:12,897,831, C>G. VCF-style: chr19-12897831-C-G. GRCh37 (hg19) VCF-style: chr19-13008645-C-G.
Other names: c.1211C>G, p.Ala404Gly (NM_013976.5); short protein forms A404G.
Identifiers: ClinVar variation 1426297 (VCV001426297.8), dbSNP rs1432619357, ClinGen allele CA404321800.

ClinVar aggregate classification (germline): Pathogenic (1 of 4 stars; one submission).

Conditions:
Glutaric aciduria, type 1. Also called: Glutaryl-CoA dehydrogenase deficiency; GA I; Glutaricacidemia Type 1; Glutaric acidemia type I; Glutaricaciduria, type I; Glutaric Acidemia Type 1. Identifiers: Orphanet 25, MedGen C0268595, MONDO:0009281, OMIM 231670.

Submission:

Labcorp Genetics (formerly Invitae), Labcorp
Classification: Pathogenic for Glutaric aciduria, type 1. Last evaluated: 2021-02-22. Review status: criteria provided, single submitter. Criteria: Invitae Variant Classification Sherloc (09022015). Collection method: clinical testing. Allele origin: germline.
Comment: This variant has been observed in individual(s) with glutaric acidemia (Invitae). In at least one individual the data is consistent with the variant being in trans (on the opposite chromosome) from a pathogenic variant. Advanced modeling of protein sequence and biophysical properties (such as structural, functional, and spatial information, amino acid conservation, physicochemical variation, residue mobility, and thermodynamic stability) performed at Invitae indicates that this missense variant is expected to disrupt GCDH protein function. For these reasons, this variant has been classified as Pathogenic. This variant is not present in population databases (ExAC no frequency). This sequence change replaces alanine with glycine at codon 404 of the GCDH protein (p.Ala404Gly). The alanine residue is moderately conserved and there is a small physicochemical difference between alanine and glycine.